The following is an entry in ClinVar:

ClinVar aggregate classification (germline): Uncertain significance (1 of 4 stars; one submission).

Submission:

MVZ Dr. Eberhard & Partner Dortmund
Classification: Uncertain significance. Last evaluated: 2021-07-21. Review status: criteria provided, single submitter. Criteria: ACMG Guidelines, 2015. Collection method: clinical testing. Allele origin: unknown. Observed: 1 heterozygote.
Comment: This sequence change is likely causing a substitution of tyrosine with histidine at position 672 of the COL4A4 protein. The variant has not been reported in literature and is not present in locus specific mutation databases or in controls from the Exome Sequencing Project, 1000 Genomes Project and the Genome Aggregation Database. Multiple lines of computational evidence support a deleterious effect on the gene product (SIFT: Deleterious; PolyPhen-2: Probably Damaging; MutationTaster: Disease Causing). There is a moderate physicochemical difference between tyrosine and histidine (Grantham dist. 83). The available data is currently insufficient to determine the role of this variant in disease. This variant is considered to be a variant of uncertain significance according to the ACMG guidelines.

NM_000092.5(COL4A4):c.2014T>C (p.Tyr672His)

Gene: COL4A4 (collagen type IV alpha 4 chain; minus strand). Cytogenetic location: 2q36.3.
Variant type: single nucleotide variant.
Coding change: c.2014T>C on transcript NM_000092.5 (MANE Select); coding-DNA position 2014, T replaced by C.
Protein change: p.Tyr672His; replaces tyrosine 672 with histidine.
Molecular consequence: missense variant.
Genome position (GRCh38, 1-based): chr2:227,062,572, A>G on the plus strand (T>C on the coding strand, the complement: COL4A4 is on the minus strand). VCF-style: chr2-227062572-A-G. GRCh37 (hg19) VCF-style: chr2-227927288-A-G.
Other names: short protein forms Y672H.
Identifiers: ClinVar variation 1676824 (VCV001676824.2), dbSNP rs2150312695, ClinGen allele CA350842575.